The following is an entry in ClinVar:

ClinVar aggregate classification (germline): Uncertain significance (1 of 4 stars; one submission).

Allele frequency attached by ClinVar (database versions not stated): gnomAD exomes 0.00002; ExAC 0.00003; gnomAD 0.00003; TOPMed 0.00009; ESP Exome Variant Server 0.00015.
gnomAD v4.1: 35 of 1,607,870 alleles (0.0022%); highest among the groups gnomAD compares: African/African-American, 0.015%; no homozygotes.

Submission:

GeneDx
Classification: Uncertain significance. Last evaluated: 2022-12-27. Review status: criteria provided, single submitter. Criteria: GeneDx Variant Classification Process June 2021. Collection method: clinical testing. Allele origin: germline. Affected: yes.
Comment: In silico analysis supports that this missense variant has a deleterious effect on protein structure/function; Has not been previously published as pathogenic or benign to our knowledge

NM_001368809.2(AMPD2):c.817C>T (p.Arg273Trp)

Gene: AMPD2 (adenosine monophosphate deaminase 2; plus strand). Cytogenetic location: 1p13.3.
Variant type: single nucleotide variant.
Coding change: c.817C>T on transcript NM_001368809.2 (MANE Select); coding-DNA position 817, C replaced by T.
Protein change: p.Arg273Trp; replaces arginine 273 with tryptophan.
Molecular consequence: missense variant.
Genome position (GRCh38, 1-based): chr1:109,627,273, C>T. VCF-style: chr1-109627273-C-T. GRCh37 (hg19) VCF-style: chr1-110169895-C-T.
Other names: c.625C>T, p.Arg209Trp (NM_001257361.2); c.754C>T, p.Arg252Trp (NM_001308170.1); c.817C>T, p.Arg273Trp (NM_004037.9); c.736C>T, p.Arg246Trp (NM_139156.4); short protein forms R209W, R246W, R252W, R273W.
Identifiers: ClinVar variation 1809871 (VCV001809871.1), dbSNP rs141742198, ClinGen allele CA992917.